The following is an entry in ClinVar:

NM_003322.6(TULP1):c.185C>G (p.Pro62Arg)

Gene: TULP1 (TUB like protein 1; minus strand). Cytogenetic location: 6p21.31.
Variant type: single nucleotide variant.
Coding change: c.185C>G on transcript NM_003322.6 (MANE Select); coding-DNA position 185, C replaced by G.
Protein change: p.Pro62Arg; replaces proline 62 with arginine.
Molecular consequence: missense variant.
Genome position (GRCh38, 1-based): chr6:35,512,185, G>C on the plus strand (C>G on the coding strand, the complement: TULP1 is on the minus strand). VCF-style: chr6-35512185-G-C. GRCh37 (hg19) VCF-style: chr6-35479962-G-C.
Other names: c.185C>G, p.Pro62Arg (NM_001289395.2); short protein forms P62R.
Identifiers: ClinVar variation 3346656 (VCV003346656.1).

ClinVar aggregate classification (germline): Uncertain significance (0 of 4 stars; one submission).

Conditions:
TULP1-related disorder. Also called: TULP1-related condition; TULP1-related disorders.

Submission:

PreventionGenetics, part of Exact Sciences
Classification: Uncertain significance for TULP1-related condition. Last evaluated: 2024-07-29. Review status: no assertion criteria provided. Collection method: clinical testing. Allele origin: germline.
Comment: The TULP1 c.185C>G variant is predicted to result in the amino acid substitution p.Pro62Arg. To our knowledge, this variant has not been reported in the literature or in a large population database, indicating this variant is rare. At this time, the clinical significance of this variant is uncertain due to the absence of conclusive functional and genetic evidence.